The following is an entry in ClinVar:

ClinVar aggregate classification (germline): Likely benign (1 of 4 stars; one submission).

Conditions:
Catecholaminergic polymorphic ventricular tachycardia (CVPT). Also called: Catecholamine-induced polymorphic ventricular tachycardia. Identifiers: Orphanet 3286, MedGen C5574922, MONDO:0017990.

Submission:

All of Us Research Program, National Institutes of Health
Classification: Likely benign for Catecholaminergic polymorphic ventricular tachycardia. Last evaluated: 2023-09-04. Review status: criteria provided, single submitter. Criteria: ACMG Guidelines, 2015. Collection method: clinical testing. Allele origin: germline. Inheritance: Autosomal dominant inheritance. Observed: 1 variant allele, 1 heterozygote.
Comment: This study involves interpretation of variants in research participants for the purpose of population health screening. Participant phenotype was not available at the time of variant classification. Additional details can be found in publication PMID: 35346344, PMCID: PMC8962531

NM_001035.3(RYR2):c.7696C>A (p.Arg2566=)

Gene: RYR2 (ryanodine receptor 2; plus strand). Cytogenetic location: 1q43.
Variant type: single nucleotide variant.
Coding change: c.7696C>A on transcript NM_001035.3 (MANE Select); coding-DNA position 7696, C replaced by A.
Protein change: p.Arg2566=; no amino-acid change (arginine 2566 retained).
Molecular consequence: synonymous variant.
Genome position (GRCh38, 1-based): chr1:237,650,060, C>A. VCF-style: chr1-237650060-C-A. GRCh37 (hg19) VCF-style: chr1-237813360-C-A.
Identifiers: ClinVar variation 3073314 (VCV003073314.1), dbSNP rs773475551, ClinGen allele CA423820070.